The following is an entry in ClinVar:

ClinVar aggregate classification (germline): Uncertain significance. Review status: criteria provided, multiple submitters, no conflicts (2 of 4 stars). 2 submissions from 2 submitters: Uncertain significance (2). Last evaluated 2024-05-04.

Conditions:
Familial Mediterranean fever (FMF). Also called: Periodic peritonitis; Benign paroxysmal peritonitis; POLYSEROSITIS, FAMILIAL PAROXYSMAL; POLYSEROSITIS, RECURRENT. Identifiers: Orphanet 342, MedGen C0031069, MONDO:0018088, OMIM 249100. Disease mechanism: gain of function.
Familial Mediterranean fever, autosomal dominant. Also called: Dominant Familial Mediterranean Fever; FMF, AUTOSOMAL DOMINANT. Identifiers: Orphanet 342, MedGen C1851347, MONDO:0007601, OMIM 134610.
Acute febrile neutrophilic dermatosis (AFND). Also called: Sweet Syndrome; Gomm Button disease. Identifiers: Orphanet 3243, MedGen C0085077, MONDO:0011959, OMIM 608068.

Allele frequency attached by ClinVar (database versions not stated): gnomAD exomes below 0.00001.
gnomAD v4.1: 3 of 1,614,262 alleles (0.00019%); highest among the groups gnomAD compares: Non-Finnish European, 0.00025%; no homozygotes.

Submissions (2):

Fulgent Genetics
Classification: Uncertain significance for Familial Mediterranean fever, autosomal dominant; Familial Mediterranean fever; Acute febrile neutrophilic dermatosis. Last evaluated: 2024-05-04. Review status: criteria provided, single submitter. Criteria: ACMG Guidelines, 2015. Collection method: clinical testing. Allele origin: germline.

Labcorp Genetics (formerly Invitae), Labcorp
Classification: Uncertain significance for Familial Mediterranean fever. Last evaluated: 2021-08-24. Review status: criteria provided, single submitter. Criteria: Invitae Variant Classification Sherloc (09022015). Collection method: clinical testing. Allele origin: germline.
Comment: This sequence change replaces glycine with alanine at codon 286 of the MEFV protein (p.Gly286Ala). The glycine residue is weakly conserved and there is a small physicochemical difference between glycine and alanine. This variant is not present in population databases (ExAC no frequency). This variant has not been reported in the literature in individuals affected with MEFV-related conditions. Algorithms developed to predict the effect of missense changes on protein structure and function (SIFT, PolyPhen-2, Align-GVGD) all suggest that this variant is likely to be tolerated. In summary, the available evidence is currently insufficient to determine the role of this variant in disease. Therefore, it has been classified as a Variant of Uncertain Significance.

NM_000243.3(MEFV):c.857G>C (p.Gly286Ala)

Gene: MEFV (MEFV innate immunity regulator, pyrin; minus strand). Cytogenetic location: 16p13.3.
Variant type: single nucleotide variant.
Coding change: c.857G>C on transcript NM_000243.3 (MANE Select); coding-DNA position 857, G replaced by C.
Protein change: p.Gly286Ala; replaces glycine 286 with alanine.
Molecular consequence: missense variant. On other transcripts: intron variant (1).
Genome position (GRCh38, 1-based): chr16:3,254,211, C>G on the plus strand (G>C on the coding strand, the complement: MEFV is on the minus strand). VCF-style: chr16-3254211-C-G. GRCh37 (hg19) VCF-style: chr16-3304211-C-G.
Other names: c.277+2100G>C (NM_001198536.2); short protein forms G286A.
Identifiers: ClinVar variation 1378043 (VCV001378043.6), dbSNP rs1959078224, ClinGen allele CA394476754.